The following is an entry in ClinVar:

ClinVar aggregate classification (germline): Uncertain significance (1 of 4 stars; one submission).

Conditions:
Inborn genetic diseases. Identifiers: MedGen C0950123, MeSH D030342.

Submission:

Ambry Genetics
Classification: Uncertain significance for Inborn genetic diseases. Last evaluated: 2025-05-05. Review status: criteria provided, single submitter. Criteria: Ambry Variant Classification Scheme 2023. Collection method: clinical testing. Allele origin: germline.
Comment: The p.R1217S variant (also known as c.3651A>C), located in coding exon 24 of the ANKRD26 gene, results from an A to C substitution at nucleotide position 3651. The arginine at codon 1217 is replaced by serine, an amino acid with dissimilar properties. This amino acid position is conserved. In addition, this alteration is predicted to be tolerated by in silico analysis. Based on the available evidence, the clinical significance of this variant remains unclear.

NM_014915.3(ANKRD26):c.3651A>C (p.Arg1217Ser)

Gene: ANKRD26 (ankyrin repeat domain containing 26; minus strand). Cytogenetic location: 10p12.1.
Variant type: single nucleotide variant.
Coding change: c.3651A>C on transcript NM_014915.3 (MANE Select); coding-DNA position 3651, A replaced by C.
Protein change: p.Arg1217Ser; replaces arginine 1217 with serine.
Molecular consequence: missense variant.
Genome position (GRCh38, 1-based): chr10:27,034,799, T>G on the plus strand (A>C on the coding strand, the complement: ANKRD26 is on the minus strand). VCF-style: chr10-27034799-T-G. GRCh37 (hg19) VCF-style: chr10-27323728-T-G.
Other names: c.3648A>C, p.Arg1216Ser (NM_001256053.2); short protein forms R1217S, R1216S.
Identifiers: ClinVar variation 3914241 (VCV003914241.1).